The following is an entry in ClinVar:

NM_032119.4(ADGRV1):c.17856+10C>T

Gene: ADGRV1 (adhesion G protein-coupled receptor V1; plus strand). Cytogenetic location: 5q14.3.
Variant type: single nucleotide variant.
Coding change: c.17856+10C>T on transcript NM_032119.4 (MANE Select); 10 bases into the intron after coding-DNA position 17856, C replaced by T.
Molecular consequence: intron variant.
Genome position (GRCh38, 1-based): chr5:90,863,867, C>T. VCF-style: chr5-90863867-C-T. GRCh37 (hg19) VCF-style: chr5-90159684-C-T.
Identifiers: ClinVar variation 227399 (VCV000227399.15), dbSNP rs371949377, ClinGen allele CA3342472.

ClinVar aggregate classification (germline): Likely benign. Review status: criteria provided, multiple submitters, no conflicts (2 of 4 stars). 4 submissions from 4 submitters: Likely benign (4). Last evaluated 2026-01-25.

Conditions:
ADGRV1-related disorder. Also called: ADGRV1-related condition; ADGRV1-related disorders.

Allele frequency attached by ClinVar (database versions not stated): ExAC 0.00006; gnomAD exomes 0.00007; 1000 Genomes Project 30x 0.00016; gnomAD 0.00018; TOPMed 0.00018; 1000 Genomes Project 0.00020; ESP Exome Variant Server 0.00025.
gnomAD v4.1: 68 of 1,553,566 alleles (0.0044%); highest among the groups gnomAD compares: African/African-American, 0.05%; no homozygotes.

Submissions (4):

Labcorp Genetics (formerly Invitae), Labcorp
Classification: Likely benign. Last evaluated: 2026-01-25. Review status: criteria provided, single submitter. Criteria: Invitae Variant Classification Sherloc (09022015). Collection method: clinical testing. Allele origin: germline.

PreventionGenetics, part of Exact Sciences
Classification: Likely benign for ADGRV1-related condition. Last evaluated: 2025-07-24. Review status: criteria provided, single submitter. Criteria: ACMG Guidelines, 2015. Collection method: clinical testing. Allele origin: germline.
Comment: This variant is classified as likely benign based on ACMG/AMP sequence variant interpretation guidelines (Richards et al. 2015 PMID: 25741868, with internal and published modifications).

Blueprint Genetics
Classification: Likely benign. Last evaluated: 2023-11-24. Review status: criteria provided, single submitter. Criteria: ACMG Guidelines, 2015. Collection method: clinical testing. Allele origin: germline.

Laboratory for Molecular Medicine, Mass General Brigham Personalized Medicine
Classification: Likely benign. Last evaluated: 2012-04-30. Review status: criteria provided, single submitter. Criteria: LMM Criteria. Collection method: clinical testing. Allele origin: germline. Observed: 1 variant allele.
Comment: 17856+10C>T in Intron 83 of GPR98: This variant is not expected to have clinical significance because it is not located within the conserved splice consensus se quence and has been identified in 0.1% (2/3128) of African American chromosomes from a broad population by the NHLBI Exome Sequencing Project.